The following is an entry in ClinVar:

NM_144736.5(NDUFAF7):c.1111-5T>C

Gene: NDUFAF7 (NADH:ubiquinone oxidoreductase complex assembly factor 7; plus strand). Cytogenetic location: 2p22.2.
Variant type: single nucleotide variant.
Coding change: c.1111-5T>C on transcript NM_144736.5 (MANE Select); 5 bases into the intron before coding-DNA position 1111, T replaced by C.
Molecular consequence: intron variant.
Genome position (GRCh38, 1-based): chr2:37,248,130, T>C. VCF-style: chr2-37248130-T-C. GRCh37 (hg19) VCF-style: chr2-37475273-T-C.
Other names: c.1111-128T>C (NM_001350024.2); c.898-5T>C (NM_001350027.2); c.1030-128T>C (NM_001350025.2); c.817-5T>C (NM_001083946.2).
Identifiers: ClinVar variation 138465 (VCV000138465.10), dbSNP rs189478053, ClinGen allele CA292468.

ClinVar aggregate classification (germline): Benign. Review status: criteria provided, multiple submitters, no conflicts (2 of 4 stars). 2 submissions from 2 submitters: Benign (2). Last evaluated 2026-01-19.

Allele frequency attached by ClinVar (database versions not stated): 1000 Genomes Project 0.00080; 1000 Genomes Project 30x 0.00094; gnomAD exomes 0.00218 and 0.00327; gnomAD 0.00228 and 0.00233; TOPMed 0.00236; ExAC 0.00255; ESP Exome Variant Server 0.00346.
gnomAD v4.1: 5,081 of 1,610,622 alleles (0.32%); highest among the groups gnomAD compares: Non-Finnish European, 0.39%; 15 homozygotes.

Submissions (2):

Labcorp Genetics (formerly Invitae), Labcorp
Classification: Benign. Last evaluated: 2026-01-19. Review status: criteria provided, single submitter. Criteria: Invitae Variant Classification Sherloc (09022015). Collection method: clinical testing. Allele origin: germline.

GeneDx
Classification: Benign. Last evaluated: 2013-10-21. Review status: criteria provided, single submitter. Criteria: GeneDx Variant Classification (06012015). Collection method: clinical testing. Allele origin: germline. Affected: yes.
Comment: This variant is considered likely benign or benign based on one or more of the following criteria: it is a conservative change, it occurs at a poorly conserved position in the protein, it is predicted to be benign by multiple in silico algorithms, and/or has population frequency not consistent with disease.